The following is an entry in ClinVar:

NM_006035.4(CDC42BPB):c.3593A>C (p.Asn1198Thr)

Gene: CDC42BPB (CDC42 binding protein kinase beta; minus strand). Cytogenetic location: 14q32.32.
Variant type: single nucleotide variant.
Coding change: c.3593A>C on transcript NM_006035.4 (MANE Select); coding-DNA position 3593, A replaced by C.
Protein change: p.Asn1198Thr; replaces asparagine 1198 with threonine.
Molecular consequence: missense variant.
Genome position (GRCh38, 1-based): chr14:102,946,623, T>G on the plus strand (A>C on the coding strand, the complement: CDC42BPB is on the minus strand). VCF-style: chr14-102946623-T-G. GRCh37 (hg19) VCF-style: chr14-103412960-T-G.
Other names: c.3515A>C, p.Asn1172Thr (NM_001411054.1); short protein forms N1172T, N1198T.
Identifiers: ClinVar variation 2504156 (VCV002504156.2), dbSNP rs2542771988, ClinGen allele CA391077952.

ClinVar aggregate classification (germline): Uncertain significance (1 of 4 stars; one submission).

Submission:

Centre of Medical Genetics, University Hospital Muenster
Classification: Uncertain significance. Last evaluated: 2023-04-17. Review status: criteria provided, single submitter. Criteria: ACMG Guidelines, 2015. Collection method: clinical testing. Allele origin: unknown. Affected: yes. Observed: 1 variant allele, 1 heterozygote.
Comment: ACMG categories: PM1,PM2